The following is an entry in ClinVar:

ClinVar aggregate classification (germline): Likely benign (1 of 4 stars; one submission).

Allele frequency attached by ClinVar (database versions not stated): gnomAD exomes 0.00001; ExAC 0.00009; gnomAD 0.00001; TOPMed 0.00001 and 0.00002.
gnomAD v4.1: 4 of 1,534,134 alleles (0.00026%); highest among the groups gnomAD compares: Middle Eastern, 0.021%; no homozygotes.

Submission:

GeneDx
Classification: Likely benign. Last evaluated: 2016-03-30. Review status: criteria provided, single submitter. Criteria: GeneDx Variant Classification (06012015). Collection method: clinical testing. Allele origin: germline. Affected: yes.
Comment: This variant is considered likely benign or benign based on one or more of the following criteria: it is a conservative change, it occurs at a poorly conserved position in the protein, it is predicted to be benign by multiple in silico algorithms, and/or has population frequency not consistent with disease.

NM_014297.5(ETHE1):c.-20C>T

Genes: ETHE1 (ETHE1 persulfide dioxygenase; minus strand), LOC130064595 (ATAC-STARR-seq lymphoblastoid silent region 10721; plus strand). Cytogenetic location: 19q13.31.
Variant type: single nucleotide variant.
Coding change: c.-20C>T on transcript NM_014297.5 (MANE Select); 20 bases upstream of the start codon, C replaced by T.
Molecular consequence: 5 prime UTR variant.
Genome position (GRCh38, 1-based): chr19:43,527,197, G>A on the plus strand (C>T on the coding strand, the complement: ETHE1 is on the minus strand). VCF-style: chr19-43527197-G-A. GRCh37 (hg19) VCF-style: chr19-44031349-G-A.
Other names: c.-20C>T (NM_001320867.2, NM_001320869.2); c.-240C>T (NM_001320868.2).
Identifiers: ClinVar variation 384566 (VCV000384566.1), dbSNP rs779399320, ClinGen allele CA9487987.